The following is an entry in ClinVar:

ClinVar aggregate classification (germline): Uncertain significance (1 of 4 stars; one submission).

Allele frequency attached by ClinVar (database versions not stated): gnomAD 0.00001; TOPMed 0.00001; ExAC 0.00004; 1000 Genomes Project 30x 0.00016; 1000 Genomes Project 0.00020.
gnomAD v4.1: 20 of 1,559,954 alleles (0.0013%); highest among the groups gnomAD compares: Middle Eastern, 0.033%; no homozygotes.

Submission:

Labcorp Genetics (formerly Invitae), Labcorp
Classification: Uncertain significance. Last evaluated: 2024-10-14. Review status: criteria provided, single submitter. Criteria: Invitae Variant Classification Sherloc (09022015). Collection method: clinical testing. Allele origin: germline.
Comment: This sequence change falls in intron 10 of the PCGF2 gene. It does not directly change the encoded amino acid sequence of the PCGF2 protein. The frequency data for this variant in the population databases is considered unreliable, as metrics indicate poor data quality at this position in the gnomAD database. This variant has not been reported in the literature in individuals affected with PCGF2-related conditions. Algorithms developed to predict the effect of sequence changes on RNA splicing suggest that this variant may create or strengthen a splice site. In summary, the available evidence is currently insufficient to determine the role of this variant in disease. Therefore, it has been classified as a Variant of Uncertain Significance.

NM_007144.3(PCGF2):c.657+10C>T

Gene: PCGF2 (polycomb group ring finger 2; minus strand). Cytogenetic location: 17q12.
Variant type: single nucleotide variant.
Coding change: c.657+10C>T on transcript NM_007144.3 (MANE Select); 10 bases into the intron after coding-DNA position 657, C replaced by T.
Molecular consequence: intron variant.
Genome position (GRCh38, 1-based): chr17:38,736,080, G>A on the plus strand (C>T on the coding strand, the complement: PCGF2 is on the minus strand). VCF-style: chr17-38736080-G-A. GRCh37 (hg19) VCF-style: chr17-36892333-G-A.
Other names: c.657+10C>T (NM_001369614.1, NM_001369615.1).
Identifiers: ClinVar variation 2918623 (VCV002918623.3), dbSNP rs563031443, ClinGen allele CA8524907.